The following is an entry in ClinVar:

NM_001130987.2(DYSF):c.4788C>G (p.Asp1596Glu)

Gene: DYSF (dysferlin; plus strand). Cytogenetic location: 2p13.2.
Variant type: single nucleotide variant.
Coding change: c.4788C>G on transcript NM_001130987.2 (MANE Select); coding-DNA position 4788, C replaced by G.
Protein change: p.Asp1596Glu; replaces aspartic acid 1596 with glutamic acid.
Molecular consequence: missense variant.
Genome position (GRCh38, 1-based): chr2:71,658,910, C>G. VCF-style: chr2-71658910-C-G. GRCh37 (hg19) VCF-style: chr2-71886040-C-G.
Other names: c.4674C>G, p.Asp1558Glu (NM_001130455.2); c.4629C>G, p.Asp1543Glu (NM_001130976.2); c.4692C>G, p.Asp1564Glu (NM_001130977.2); c.4734C>G, p.Asp1578Glu (NM_001130978.2); c.4764C>G, p.Asp1588Glu (NM_001130979.2); c.4722C>G, p.Asp1574Glu (NM_001130980.2); c.4785C>G, p.Asp1595Glu (NM_001130981.2); c.4767C>G, p.Asp1589Glu (NM_001130982.2); and 5 more; short protein forms D1543E, D1564E, D1589E, D1544E, D1565E, D1575E, D1578E, D1595E.
Identifiers: ClinVar variation 2176609 (VCV002176609.1), dbSNP rs756090825, ClinGen allele CA1707144.

ClinVar aggregate classification (germline): Uncertain significance (1 of 4 stars; one submission).

Conditions:
Neuromuscular disease caused by qualitative or quantitative defects of dysferlin. Also called: Dysferlinopathy; Qualitative or quantitative defects of dysferlin. Identifiers: Orphanet 207073, MedGen C2931687, MONDO:0016145.

Allele frequency attached by ClinVar (database versions not stated): ExAC 0.00001; gnomAD exomes 0.00001; TOPMed 0.00001.
gnomAD v4.1: 4 of 1,614,176 alleles (0.00025%); highest among the groups gnomAD compares: Admixed American, 0.0067%; no homozygotes.

Submission:

Labcorp Genetics (formerly Invitae), Labcorp
Classification: Uncertain significance for Neuromuscular disease caused by qualitative or quantitative defects of dysferlin. Last evaluated: 2022-05-27. Review status: criteria provided, single submitter. Criteria: Invitae Variant Classification Sherloc (09022015). Collection method: clinical testing. Allele origin: germline.
Comment: This sequence change replaces aspartic acid, which is acidic and polar, with glutamic acid, which is acidic and polar, at codon 1557 of the DYSF protein (p.Asp1557Glu). This variant is present in population databases (rs756090825, gnomAD 0.009%). This variant has not been reported in the literature in individuals affected with DYSF-related conditions. Advanced modeling of protein sequence and biophysical properties (such as structural, functional, and spatial information, amino acid conservation, physicochemical variation, residue mobility, and thermodynamic stability) performed at Invitae indicates that this missense variant is not expected to disrupt DYSF protein function. In summary, the available evidence is currently insufficient to determine the role of this variant in disease. Therefore, it has been classified as a Variant of Uncertain Significance.